The following is an entry in ClinVar:

ClinVar aggregate classification (germline): Uncertain significance (1 of 4 stars; one submission).

Conditions:
Hereditary cancer-predisposing syndrome. Also called: Tumor predisposition; Neoplastic Syndromes, Hereditary; Hereditary Cancer Syndrome; Hereditary neoplastic syndrome. Identifiers: Orphanet 140162, MedGen C0027672, MeSH D009386, MONDO:0015356.

Submission:

Ambry Genetics
Classification: Uncertain significance for Hereditary cancer-predisposing syndrome. Last evaluated: 2024-09-30. Review status: criteria provided, single submitter. Criteria: Ambry Variant Classification Scheme 2023. Collection method: clinical testing. Allele origin: germline.
Comment: The p.R281S variant (also known as c.841C>A), located in coding exon 9 of the CDC73 gene, results from a C to A substitution at nucleotide position 841. The arginine at codon 281 is replaced by serine, an amino acid with dissimilar properties. This amino acid position is conserved. In addition, the in silico prediction for this alteration is inconclusive. Based on the available evidence, the clinical significance of this variant remains unclear.

NM_024529.5(CDC73):c.841C>A (p.Arg281Ser)

Gene: CDC73 (cell division cycle 73; plus strand). Cytogenetic location: 1q31.2.
Variant type: single nucleotide variant.
Coding change: c.841C>A on transcript NM_024529.5 (MANE Select); coding-DNA position 841, C replaced by A.
Protein change: p.Arg281Ser; replaces arginine 281 with serine.
Molecular consequence: missense variant.
Genome position (GRCh38, 1-based): chr1:193,150,316, C>A. VCF-style: chr1-193150316-C-A. GRCh37 (hg19) VCF-style: chr1-193119446-C-A.
Other names: short protein forms R281S.
Identifiers: ClinVar variation 3488520 (VCV003488520.1).